The following is an entry in ClinVar:

NM_001122752.2(SERPINI1):c.69G>C (p.Glu23Asp)

Gene: SERPINI1 (serpin family I member 1; plus strand). Cytogenetic location: 3q26.1.
Variant type: single nucleotide variant.
Coding change: c.69G>C on transcript NM_001122752.2 (MANE Select); coding-DNA position 69, G replaced by C.
Protein change: p.Glu23Asp; replaces glutamic acid 23 with aspartic acid.
Molecular consequence: missense variant.
Genome position (GRCh38, 1-based): chr3:167,789,197, G>C. VCF-style: chr3-167789197-G-C. GRCh37 (hg19) VCF-style: chr3-167506985-G-C.
Other names: c.69G>C, p.Glu23Asp (NM_005025.5); short protein forms E23D.
Identifiers: ClinVar variation 1720783 (VCV001720783.5), dbSNP rs563633471, ClinGen allele CA2694724.
Genomic context (GRCh38, chr3:167,789,197, plus strand): 5'-CCTTGGACTCTTCTCTTTGCTGGTTCTGCAAAGTATGGCTACAGGGGCCACTTTCCCTGA[G>C]GAAGCCATTGCTGACTTGTCAGTGAATATGTATAATCGTCTTAGAGCCACTGGTGAAGAT-3'
Protein context (NP_001116224.1, residues 13-33): QSMATGATFP[Glu23Asp]EAIADLSVNM

ClinVar aggregate classification (germline): Uncertain significance (1 of 4 stars; one submission).

Conditions:
Familial encephalopathy with neuroserpin inclusion bodies. Also called: ENCEPHALOPATHY, FAMILIAL, WITH COLLINS BODIES. Identifiers: Orphanet 85110, MedGen C1858680, MONDO:0011412, OMIM 604218.

Allele frequency attached by ClinVar (database versions not stated): ExAC 0.00001; gnomAD 0.00001; 1000 Genomes Project 30x 0.00016; 1000 Genomes Project 0.00020.
gnomAD v4.1: 1 of 1,614,148 alleles (0.000062%); highest among the groups gnomAD compares: South Asian, 0.0011%; no homozygotes.

Submission:

Labcorp Genetics (formerly Invitae), Labcorp
Classification: Uncertain significance for Familial encephalopathy with neuroserpin inclusion bodies. Last evaluated: 2022-08-30. Review status: criteria provided, single submitter. Criteria: Invitae Variant Classification Sherloc (09022015). Collection method: clinical testing. Allele origin: germline.
Comment: In summary, the available evidence is currently insufficient to determine the role of this variant in disease. Therefore, it has been classified as a Variant of Uncertain Significance. Advanced modeling of protein sequence and biophysical properties (such as structural, functional, and spatial information, amino acid conservation, physicochemical variation, residue mobility, and thermodynamic stability) performed at Invitae indicates that this missense variant is not expected to disrupt SERPINI1 protein function. This variant has not been reported in the literature in individuals affected with SERPINI1-related conditions. This variant is present in population databases (rs563633471, gnomAD 0.003%). This sequence change replaces glutamic acid, which is acidic and polar, with aspartic acid, which is acidic and polar, at codon 23 of the SERPINI1 protein (p.Glu23Asp).